The following is an entry in ClinVar:

ClinVar aggregate classification (germline): Uncertain significance. Review status: criteria provided, multiple submitters, no conflicts (2 of 4 stars). 2 submissions from 2 submitters: Uncertain significance (2). Last evaluated 2025-09-22.

Conditions:
Inborn genetic diseases. Identifiers: MedGen C0950123, MeSH D030342.
Peroxisome biogenesis disorder. Identifiers: Orphanet 79189, MedGen C1832200, MONDO:0019234. Disease mechanism: loss of function.

Allele frequency attached by ClinVar (database versions not stated): ExAC 0.00002; ESP Exome Variant Server 0.00008; 1000 Genomes Project 30x 0.00016; 1000 Genomes Project 0.00020.
gnomAD v4.1: 46 of 1,613,476 alleles (0.0029%); highest among the groups gnomAD compares: Non-Finnish European, 0.0036%; no homozygotes.

Submissions (2):

Ambry Genetics
Classification: Uncertain significance for Inborn genetic diseases. Last evaluated: 2025-09-22. Review status: criteria provided, single submitter. Criteria: Ambry Variant Classification Scheme 2023. Collection method: clinical testing. Allele origin: germline.

Labcorp Genetics (formerly Invitae), Labcorp
Classification: Uncertain significance for Peroxisome biogenesis disorder. Last evaluated: 2024-11-05. Review status: criteria provided, single submitter. Criteria: Invitae Variant Classification Sherloc (09022015). Collection method: clinical testing. Allele origin: germline.
Comment: This sequence change replaces threonine, which is neutral and polar, with isoleucine, which is neutral and non-polar, at codon 463 of the PEX6 protein (p.Thr463Ile). This variant is present in population databases (rs369352915, gnomAD 0.004%). This variant has not been reported in the literature in individuals affected with PEX6-related conditions. ClinVar contains an entry for this variant (Variation ID: 2057831). Invitae Evidence Modeling of protein sequence and biophysical properties (such as structural, functional, and spatial information, amino acid conservation, physicochemical variation, residue mobility, and thermodynamic stability) indicates that this missense variant is not expected to disrupt PEX6 protein function with a negative predictive value of 95%. In summary, the available evidence is currently insufficient to determine the role of this variant in disease. Therefore, it has been classified as a Variant of Uncertain Significance.

NM_000287.4(PEX6):c.1388C>T (p.Thr463Ile)

Gene: PEX6 (peroxisomal biogenesis factor 6; minus strand). Cytogenetic location: 6p21.1.
Variant type: single nucleotide variant.
Coding change: c.1388C>T on transcript NM_000287.4 (MANE Select); coding-DNA position 1388, C replaced by T.
Protein change: p.Thr463Ile; replaces threonine 463 with isoleucine.
Molecular consequence: missense variant. On other transcripts: non-coding transcript variant (1).
Genome position (GRCh38, 1-based): chr6:42,968,965, G>A on the plus strand (C>T on the coding strand, the complement: PEX6 is on the minus strand). VCF-style: chr6-42968965-G-A. GRCh37 (hg19) VCF-style: chr6-42936703-G-A.
Other names: c.1124C>T, p.Thr375Ile (NM_001316313.2); c.1388C>T (NM_000287.3); short protein forms T375I, T463I.
Identifiers: ClinVar variation 2057831 (VCV002057831.3), dbSNP rs369352915, ClinGen allele CA3811337.
Genomic context (GRCh38, chr6:42,968,965, plus strand): 5'-GCAGCAGCAACTACTGTGGTCTTCCCACAGCCTGGGGGGCCCCGTAGAAGGACACTGCTA[G>A]TTCCTGTCAGCAGGGCACCCCTGCAACCAGAGAACAGACATTCGTCTCCTTCATTTTGCC-3'
Protein context (NP_000278.3, residues 453-473): LQPGGALLTG[Thr463Ile]SSVLLRGPPG